The following is an entry in ClinVar:

NM_003477.3(PDHX):c.438C>T (p.Asp146=)

Gene: PDHX (pyruvate dehydrogenase complex component X; plus strand). Cytogenetic location: 11p13.
Variant type: single nucleotide variant.
Coding change: c.438C>T on transcript NM_003477.3 (MANE Select); coding-DNA position 438, C replaced by T.
Protein change: p.Asp146=; no amino-acid change (aspartic acid 146 retained).
Molecular consequence: synonymous variant. On other transcripts: intron variant (1).
Genome position (GRCh38, 1-based): chr11:34,957,479, C>T. VCF-style: chr11-34957479-C-T. GRCh37 (hg19) VCF-style: chr11-34979026-C-T.
Other names: p.D146D:GAC>GAT; c.258C>T, p.Asp86= (NM_001135024.2); c.342+9873C>T (NM_001166158.2).
Identifiers: ClinVar variation 138658 (VCV000138658.25), dbSNP rs75182779, ClinGen allele CA292739.
Genomic context (GRCh38, chr11:34,957,479, plus strand): 5'-ACTAATTGGTTTGATAGTAGAAGAAGGAGAAGATTGGAAACATGTTGAAATTCCCAAAGA[C>T]GTAGGTCCTCCACCACCAGTTTCAAAACCTTCAGAGCCTCGCCCCTCACCAGAACCACAG-3'
Protein context (NP_003468.2, residues 136-156): EDWKHVEIPK[Asp146=]VGPPPPVSKP

ClinVar aggregate classification (germline): Benign. Review status: criteria provided, multiple submitters, no conflicts (2 of 4 stars). 6 submissions from 6 submitters: Benign (5). 1 of the submissions does not count toward it. Last evaluated 2026-01-28.

Conditions:
Pyruvate dehydrogenase E3-binding protein deficiency (PDHXD). Also called: PYRUVATE HYDROGENASE E3-BINDING PROTEIN DEFICIENCY; Lacticacidemia due to PDX1 deficiency; E3-Binding Protein (Component X) Deficiency; LACTIC ACIDEMIA DUE TO DEFECT IN LIPOYL-CONTAINING COMPONENT X OF THE PYRUVATE DEHYDROGENASE COMPLEX. Identifiers: Orphanet 255182, MedGen C1855553, MONDO:0009503, OMIM 245349.

Allele frequency attached by ClinVar (database versions not stated): gnomAD exomes 0.00157 and 0.00416; ExAC 0.00548; gnomAD 0.01647 and 0.01749; TOPMed 0.01736; ESP Exome Variant Server 0.01792; 1000 Genomes Project 0.02157; 1000 Genomes Project 30x 0.02436.
gnomAD v4.1: 4,948 of 1,613,618 alleles (0.31%); highest among the groups gnomAD compares: African/African-American, 5.8%; 136 homozygotes.

Submissions (6):

Labcorp Genetics (formerly Invitae), Labcorp
Classification: Benign. Last evaluated: 2026-01-28. Review status: criteria provided, single submitter. Criteria: Invitae Variant Classification Sherloc (09022015). Collection method: clinical testing. Allele origin: germline.

ARUP Laboratories, Molecular Genetics and Genomics, ARUP Laboratories
Classification: Benign for Pyruvate dehydrogenase E3-binding protein deficiency. Last evaluated: 2023-11-22. Review status: criteria provided, single submitter. Criteria: ARUP Molecular Germline Variant Investigation Process 2024. Collection method: clinical testing. Allele origin: germline.

Illumina Laboratory Services, Illumina
Classification: Benign for Pyruvate dehydrogenase E3-binding protein deficiency. Last evaluated: 2018-01-12. Review status: criteria provided, single submitter. Criteria: ICSL Variant Classification Criteria 13 December 2019. Collection method: clinical testing. Allele origin: germline.
Comment: This variant was observed in the ICSL laboratory as part of a predisposition screen in an ostensibly healthy population. It had not been previously curated by ICSL or reported in the Human Gene Mutation Database (HGMD: prior to June 1st, 2018), and was therefore a candidate for classification through an automated scoring system. Utilizing variant allele frequency, disease prevalence and penetrance estimates, and inheritance mode, an automated score was calculated to assess if this variant is too frequent to cause the disease. Based on the score and internal cut-off values, a variant classified as benign is not then subjected to further curation. The score for this variant resulted in a classification of benign for this disease.

GeneDx
Classification: Benign. Last evaluated: 2014-03-13. Review status: criteria provided, single submitter. Criteria: GeneDx Variant Classification (06012015). Collection method: clinical testing. Allele origin: germline. Affected: yes.
Comment: This variant is considered likely benign or benign based on one or more of the following criteria: it is a conservative change, it occurs at a poorly conserved position in the protein, it is predicted to be benign by multiple in silico algorithms, and/or has population frequency not consistent with disease.

Breakthrough Genomics
Classification: Benign. Review status: criteria provided, single submitter. Criteria: ACMG Guidelines, 2015. Collection method: not provided. Allele origin: germline. Inheritance: Autosomal recessive inheritance. Affected: yes.

Mayo Clinic Laboratories, Mayo Clinic
Classification: Benign. Last evaluated: 2017-09-15. Review status: no assertion criteria provided. Collection method: clinical testing. Allele origin: unknown. Not counted in ClinVar's aggregate classification.